The following is an entry in ClinVar:

NM_000388.4(CASR):c.2575A>G (p.Ile859Val)

Gene: CASR (calcium sensing receptor; plus strand). Cytogenetic location: 3q21.1.
Variant type: single nucleotide variant.
Coding change: c.2575A>G on transcript NM_000388.4 (MANE Select); coding-DNA position 2575, A replaced by G.
Protein change: p.Ile859Val; replaces isoleucine 859 with valine.
Molecular consequence: missense variant.
Genome position (GRCh38, 1-based): chr3:122,284,529, A>G. VCF-style: chr3-122284529-A-G. GRCh37 (hg19) VCF-style: chr3-122003376-A-G.
Other names: c.2605A>G, p.Ile869Val (NM_001178065.2); short protein forms I869V, I859V.
Identifiers: ClinVar variation 2940984 (VCV002940984.3), dbSNP rs1576878156, ClinGen allele CA354160325.

ClinVar aggregate classification (germline): Uncertain significance (1 of 4 stars; one submission).

Conditions:
Familial hypocalciuric hypercalcemia (FHH). Also called: Familial benign hypercalcemia. Identifiers: Orphanet 405, MedGen C1809471, MONDO:0018458.
Autosomal dominant hypocalcemia 1 (HYPOC1). Also called: HYPOCALCEMIA, FAMILIAL. Identifiers: MedGen C3715128, MONDO:0011013, OMIM 601198.

Submission:

Labcorp Genetics (formerly Invitae), Labcorp
Classification: Uncertain significance for Familial hypocalciuric hypercalcemia; Autosomal dominant hypocalcemia 1. Last evaluated: 2022-11-10. Review status: criteria provided, single submitter. Criteria: Invitae Variant Classification Sherloc (09022015). Collection method: clinical testing. Allele origin: germline.
Comment: This sequence change replaces isoleucine, which is neutral and non-polar, with valine, which is neutral and non-polar, at codon 859 of the CASR protein (p.Ile859Val). This variant is not present in population databases (gnomAD no frequency). This variant has not been reported in the literature in individuals affected with CASR-related conditions. Algorithms developed to predict the effect of missense changes on protein structure and function are either unavailable or do not agree on the potential impact of this missense change (SIFT: "Deleterious"; PolyPhen-2: "Possibly Damaging"; Align-GVGD: "Class C0"). In summary, the available evidence is currently insufficient to determine the role of this variant in disease. Therefore, it has been classified as a Variant of Uncertain Significance.